The following is an entry in ClinVar:

NM_000080.4(CHRNE):c.-96C>T

Genes: C17orf107 (chromosome 17 open reading frame 107; plus strand), CHRNE (cholinergic receptor nicotinic epsilon subunit; minus strand). Cytogenetic location: 17p13.2.
Variant type: single nucleotide variant.
Coding change: c.-96C>T on transcript NM_000080.4 (MANE Select); 96 bases upstream of the start codon, C replaced by T.
Genome position (GRCh38, 1-based): chr17:4,903,159, G>A on the plus strand (C>T on the coding strand, the complement: CHRNE is on the minus strand). VCF-style: chr17-4903159-G-A. GRCh37 (hg19) VCF-style: chr17-4806454-G-A.
Other names: 156C-T; -156C>T; c.-96C>T (NM_000080.3).
Identifiers: ClinVar variation 18353 (VCV000018353.40), dbSNP rs748144899, ClinGen allele CA10575538.

ClinVar aggregate classification (germline): Conflicting classifications of pathogenicity. Review status: criteria provided, conflicting classifications (1 of 4 stars). 7 submissions from 7 submitters: Likely pathogenic (5); Uncertain significance (1). 1 of the submissions does not count toward it. Last evaluated 2026-01-28.

Conditions:
Congenital myasthenic syndrome 4C (CMS4C). Also called: Myasthenic syndrome, congenital, associated with acetylcholine receptor deficiency. Identifiers: Orphanet 590, MedGen C1837091, MONDO:0012157, OMIM 608931.
Congenital myasthenic syndrome 4A. Also called: Myasthenic syndrome, congenital, 4a, slow-channel; CONGENITAL MYASTHENIC SYNDROME TYPE Ia1; MYASTHENIC SYNDROME, CONGENITAL, 4A, SLOW-CHANNEL, AUTOSOMAL RECESSIVE. Identifiers: Orphanet 590, MedGen C4225413, MONDO:0011600, OMIM 605809.
Congenital myasthenic syndrome 4B. Also called: Myasthenic syndrome, congenital, 4b, fast-channel. Identifiers: Orphanet 590, MedGen C4225369, MONDO:0014586, OMIM 616324.
Congenital myasthenic syndrome (CMS). Also called: Congenital Myasthenic Syndromes. Identifiers: Orphanet 590, MedGen C0751882, MeSH D020294, MONDO:0018940.

Allele frequency attached by ClinVar (database versions not stated): gnomAD 0.00001; TOPMed 0.00002; gnomAD exomes 0.00003.
gnomAD v4.1: 32 of 1,214,868 alleles (0.0026%); highest among the groups gnomAD compares: East Asian, 0.0074%; no homozygotes.

Submissions (7):

Natera, Inc.
Classification: Likely pathogenic for Congenital myasthenic syndrome. Last evaluated: 2026-01-28. Review status: criteria provided, single submitter. Criteria: Natera Variant Classification Schema (03/2026). Collection method: clinical testing. Allele origin: germline.
Comment: The c.-96C>T variant in CHRNE is a 5' untranslated region (UTR) variant located upstream of the translation start codon. This variant is rare in the general population with a frequency below the threshold expected for the associated phenotype(s). This variant has been observed in one or more individuals affected with the associated recessive disease, as either homozygous or compound heterozygous with a second variant (PMID: 10211467). This variant has been observed to segregate in affected family members (PMID: 10211467). Functional studies show that this variant may disrupt protein function (PMID: 10211467). Given the available evidence, this variant is classified as Likely Pathogenic.

Labcorp Genetics (formerly Invitae), Labcorp
Classification: Uncertain significance for Congenital myasthenic syndrome 4A. Last evaluated: 2024-03-16. Review status: criteria provided, single submitter. Criteria: Invitae Variant Classification Sherloc (09022015). Collection method: clinical testing. Allele origin: germline.
Comment: This variant occurs in a non-coding region of the CHRNE gene. It does not change the encoded amino acid sequence of the CHRNE protein. This variant is not present in population databases (gnomAD no frequency). This variant has been observed in individual(s) with congenital myasthenic syndrome (PMID: 10211467). It has also been observed to segregate with disease in related individuals. In summary, the available evidence is currently insufficient to determine the role of this variant in disease. Therefore, it has been classified as a Variant of Uncertain Significance.

Fulgent Genetics
Classification: Likely pathogenic for Congenital myasthenic syndrome 4A; Congenital myasthenic syndrome 4C; Congenital myasthenic syndrome 4B. Last evaluated: 2024-01-08. Review status: criteria provided, single submitter. Criteria: ACMG Guidelines, 2015. Collection method: clinical testing. Allele origin: germline.

Baylor Genetics
Classification: Likely pathogenic for Congenital myasthenic syndrome 4A. Last evaluated: 2023-06-08. Review status: criteria provided, single submitter. Criteria: ACMG Guidelines, 2015. Collection method: clinical testing. Allele origin: unknown.

CeGaT Center for Human Genetics Tuebingen
Classification: Likely pathogenic. Last evaluated: 2022-04-01. Review status: criteria provided, single submitter. Criteria: CeGaT Center For Human Genetics Tuebingen Variant Classification Criteria Version 2. Collection method: clinical testing. Allele origin: germline. Affected: yes. Observed: 1 variant allele.
Comment: CHRNE: PM2, PM3, PP4, PS3:Supporting

Juno Genomics, Hangzhou Juno Genomics, Inc
Classification: Likely pathogenic for Congenital myasthenic syndrome 4A; Congenital myasthenic syndrome 4B; Congenital myasthenic syndrome 4C. Review status: criteria provided, single submitter. Criteria: ACMG Guidelines, 2015. Collection method: clinical testing. Allele origin: germline.
Comment: Absent from controls (or at extremely low frequency if recessive) in Genome Aggregation Database.;For recessive disorders, detected in trans with a pathogenic variant.;Co-segregation with disease in multiple affected family members.;Patient's phenotype or family history is highly specific for a disease with a single genetic etiology.;Well-established in vitro or in vivo functional studies supportive of a damaging effect on the gene or gene product.

OMIM
Classification: Pathogenic for MYASTHENIC SYNDROME, CONGENITAL, 4C, ASSOCIATED WITH ACETYLCHOLINE RECEPTOR DEFICIENCY. Last evaluated: 1999-04-01. Review status: no assertion criteria provided. Collection method: literature only. Allele origin: germline. Not counted in ClinVar's aggregate classification.

Literature cited by the submitters: PubMed 10211467 (cited by 3 submitters).